The following is an entry in ClinVar:

ClinVar aggregate classification (germline): Uncertain significance (1 of 4 stars; one submission).

Conditions:
Immunodeficiency 104. Also called: Severe combined immunodeficiency, autosomal recessive, T cell-negative, B cell-positive, NK cell-positive; Severe Combined Immune Deficiency, Autosomal Recessive, TCell -Negative, B Cell-Positive, NK Cell-Positive, IL7R-Related; SCID, AUTOSOMAL RECESSIVE, T CELL-NEGATIVE, B CELL-POSITIVE, NK CELL-POSITIVE; IMMUNODEFICIENCY 104, SEVERE COMBINED. Identifiers: MedGen C5676890, MONDO:0012163, OMIM 608971.

Allele frequency attached by ClinVar (database versions not stated): TOPMed below 0.00001; ExAC 0.00001; gnomAD 0.00001; gnomAD exomes 0.00001 and 0.00003.
gnomAD v4.1: 43 of 1,612,184 alleles (0.0027%); highest among the groups gnomAD compares: Non-Finnish European, 0.0034%; no homozygotes.

Submission:

Labcorp Genetics (formerly Invitae), Labcorp
Classification: Uncertain significance for Immunodeficiency 104. Last evaluated: 2022-01-15. Review status: criteria provided, single submitter. Criteria: Invitae Variant Classification Sherloc (09022015). Collection method: clinical testing. Allele origin: germline.
Comment: This sequence change replaces histidine, which is basic and polar, with asparagine, which is neutral and polar, at codon 605 of the PTPRC protein (p.His605Asn). This variant is present in population databases (rs778714061, gnomAD 0.002%). This variant has not been reported in the literature in individuals affected with PTPRC-related conditions. Algorithms developed to predict the effect of missense changes on protein structure and function are either unavailable or do not agree on the potential impact of this missense change (SIFT: "Tolerated"; PolyPhen-2: "Benign"; Align-GVGD: "Class C25"). In summary, the available evidence is currently insufficient to determine the role of this variant in disease. Therefore, it has been classified as a Variant of Uncertain Significance.

NM_002838.5(PTPRC):c.1813C>A (p.His605Asn)

Gene: PTPRC (protein tyrosine phosphatase receptor type C; plus strand). Cytogenetic location: 1q32.1.
Variant type: single nucleotide variant.
Coding change: c.1813C>A on transcript NM_002838.5 (MANE Select); coding-DNA position 1813, C replaced by A.
Protein change: p.His605Asn; replaces histidine 605 with asparagine.
Molecular consequence: missense variant.
Genome position (GRCh38, 1-based): chr1:198,728,432, C>A. VCF-style: chr1-198728432-C-A. GRCh37 (hg19) VCF-style: chr1-198697561-C-A.
Other names: c.1330C>A, p.His444Asn (NM_080921.4); short protein forms H444N, H605N.
Identifiers: ClinVar variation 1391594 (VCV001391594.5), dbSNP rs778714061, ClinGen allele CA1314899.